The following is an entry in ClinVar:

ClinVar aggregate classification (germline): Uncertain significance. Review status: criteria provided, multiple submitters, no conflicts (2 of 4 stars). 2 submissions from 2 submitters: Uncertain significance (2). Last evaluated 2025-10-08.

Conditions:
Trichothiodystrophy 5, nonphotosensitive (TTD5). Identifiers: Orphanet 33364, MedGen C4225420, MONDO:0010495, OMIM 300953.

Allele frequency attached by ClinVar (database versions not stated): gnomAD exomes below 0.00001.
gnomAD v4.1: 6 of 1,212,069 alleles (0.0005%); highest among the groups gnomAD compares: African/African-American, 0.0069%; no homozygotes.

Submissions (2):

Labcorp Genetics (formerly Invitae), Labcorp
Classification: Uncertain significance. Last evaluated: 2025-10-08. Review status: criteria provided, single submitter. Criteria: Invitae Variant Classification Sherloc (09022015). Collection method: clinical testing. Allele origin: germline.
Comment: This sequence change replaces glycine, which is neutral and non-polar, with arginine, which is basic and polar, at codon 26 of the RNF113A protein (p.Gly26Arg). This variant is not present in population databases (gnomAD no frequency). This variant has not been reported in the literature in individuals affected with RNF113A-related conditions. ClinVar contains an entry for this variant (Variation ID: 1029122). Invitae Evidence Modeling of protein sequence and biophysical properties (such as structural, functional, and spatial information, amino acid conservation, physicochemical variation, residue mobility, and thermodynamic stability) indicates that this missense variant is not expected to disrupt RNF113A protein function with a negative predictive value of 80%. In summary, the available evidence is currently insufficient to determine the role of this variant in disease. Therefore, it has been classified as a Variant of Uncertain Significance.

Baylor Genetics
Classification: Uncertain significance for Trichothiodystrophy 5, nonphotosensitive. Last evaluated: 2020-02-18. Review status: criteria provided, single submitter. Criteria: ACMG Guidelines, 2015. Collection method: clinical testing. Allele origin: unknown. Affected: yes.
Comment: This variant was determined to be of uncertain significance according to ACMG Guidelines, 2015 [PMID:25741868].

NM_006978.3(RNF113A):c.76G>A (p.Gly26Arg)

Genes: RNF113A (ring finger protein 113A; minus strand), LOC130068621 (ATAC-STARR-seq lymphoblastoid active region 29902; plus strand). Cytogenetic location: Xq24.
Variant type: single nucleotide variant.
Coding change: c.76G>A on transcript NM_006978.3 (MANE Select); coding-DNA position 76, G replaced by A.
Protein change: p.Gly26Arg; replaces glycine 26 with arginine.
Molecular consequence: missense variant.
Genome position (GRCh38, 1-based): chrX:119,871,538, C>T on the plus strand (G>A on the coding strand, the complement: RNF113A is on the minus strand). VCF-style: chrX-119871538-C-T. GRCh37 (hg19) VCF-style: chrX-119005501-C-T.
Other names: short protein forms G26R.
Identifiers: ClinVar variation 1029122 (VCV001029122.2), dbSNP rs369106726, ClinGen allele CA334110328.